The following is an entry in ClinVar:

NM_000088.4(COL1A1):c.937C>T (p.Pro313Ser)

Gene: COL1A1 (collagen type I alpha 1 chain; minus strand). Cytogenetic location: 17q21.33.
Variant type: single nucleotide variant.
Coding change: c.937C>T on transcript NM_000088.4 (MANE Select); coding-DNA position 937, C replaced by T.
Protein change: p.Pro313Ser; replaces proline 313 with serine.
Molecular consequence: missense variant.
Genome position (GRCh38, 1-based): chr17:50,196,334, G>A on the plus strand (C>T on the coding strand, the complement: COL1A1 is on the minus strand). VCF-style: chr17-50196334-G-A. GRCh37 (hg19) VCF-style: chr17-48273695-G-A.
Other names: short protein forms P313S.
Identifiers: ClinVar variation 568991 (VCV000568991.11), dbSNP rs1054020486, ClinGen allele CA291547210.

ClinVar aggregate classification (germline): Uncertain significance. Review status: criteria provided, multiple submitters, no conflicts (2 of 4 stars). 2 submissions from 2 submitters: Uncertain significance (2). Last evaluated 2023-09-03.

Conditions:
Osteogenesis imperfecta type I (OI1). Also called: Lobstein disease; Classic Non-deforming Osteogenesis Imperfecta with Blue Sclerae; Osteogenesis imperfecta type 1; Lobstein's Disease; OI, TYPE I; OSTEOGENESIS IMPERFECTA TARDA. Identifiers: Orphanet 216796, Orphanet 666, MedGen C0023931, MONDO:0008146, OMIM 166200. Disease mechanism: loss of function.

Allele frequency attached by ClinVar (database versions not stated): gnomAD 0.00001; TOPMed 0.00001.
gnomAD v4.1: 9 of 1,610,992 alleles (0.00056%); highest among the groups gnomAD compares: African/African-American, 0.0013%; no homozygotes.

Submissions (2):

Labcorp Genetics (formerly Invitae), Labcorp
Classification: Uncertain significance for Osteogenesis imperfecta type I. Last evaluated: 2023-09-03. Review status: criteria provided, single submitter. Criteria: Invitae Variant Classification Sherloc (09022015). Collection method: clinical testing. Allele origin: germline.
Comment: This variant has not been reported in the literature in individuals affected with COL1A1-related conditions. ClinVar contains an entry for this variant (Variation ID: 568991). Advanced modeling of protein sequence and biophysical properties (such as structural, functional, and spatial information, amino acid conservation, physicochemical variation, residue mobility, and thermodynamic stability) has been performed at Invitae for this missense variant, however the output from this modeling did not meet the statistical confidence thresholds required to predict the impact of this variant on COL1A1 protein function. In summary, the available evidence is currently insufficient to determine the role of this variant in disease. Therefore, it has been classified as a Variant of Uncertain Significance. This variant is not present in population databases (gnomAD no frequency). This sequence change replaces proline, which is neutral and non-polar, with serine, which is neutral and polar, at codon 313 of the COL1A1 protein (p.Pro313Ser).

GeneDx
Classification: Uncertain significance. Last evaluated: 2022-07-12. Review status: criteria provided, single submitter. Criteria: GeneDx Variant Classification Process June 2021. Collection method: clinical testing. Allele origin: germline. Affected: yes.
Comment: Not observed at significant frequency in large population cohorts (gnomAD); In silico analysis supports that this missense variant does not alter protein structure/function; Occurs in the triple helical domain at the Y position in the canonical Gly-X-Y repeat; although this variant may have an effect on normal protein folding and function, missense substitution at the Y position is not a common mechanism of disease (HGMD); Has not been previously published as pathogenic or benign to our knowledge